The following is an entry in ClinVar:

ClinVar aggregate classification (germline): Uncertain significance (1 of 4 stars; one submission).

Conditions:
Familial adenomatous polyposis 1 (FAP1). Also called: POLYPOSIS, ADENOMATOUS INTESTINAL; FAMILIAL ADENOMATOUS POLYPOSIS 1, ATTENUATED. Identifiers: MedGen C2713442, MONDO:0021056, OMIM 175100. Disease mechanism: loss of function.

Submission:

Labcorp Genetics (formerly Invitae), Labcorp
Classification: Uncertain significance for Familial adenomatous polyposis 1. Last evaluated: 2019-07-19. Review status: criteria provided, single submitter. Criteria: Invitae Variant Classification Sherloc (09022015). Collection method: clinical testing. Allele origin: germline.
Comment: In summary, the available evidence is currently insufficient to determine the role of this variant in disease. Therefore, it has been classified as a Variant of Uncertain Significance. This variant, c.7025_7027del, results in the deletion of 1 amino acid(s) of the APC protein (p.Leu2342del), but otherwise preserves the integrity of the reading frame. This variant is not present in population databases (ExAC no frequency). This variant has not been reported in the literature in individuals with APC-related conditions. Experimental studies and prediction algorithms are not available or were not evaluated for this variant, and the functional significance of the affected amino acid(s) is currently unknown.

NM_000038.6(APC):c.7025_7027del (p.Leu2342del)

Gene: APC (APC regulator of Wnt signaling pathway; plus strand). Cytogenetic location: 5q22.2.
Variant type: Deletion.
Coding change: c.7025_7027del on transcript NM_000038.6 (MANE Select); coding-DNA positions 7025 to 7027, 3 bases deleted (TAT; older notation c.7025_7027delTAT).
Protein change: p.Leu2342del; deletes leucine 2342.
Molecular consequence: inframe deletion.
Genome position (GRCh38, 1-based): chr5:112,842,619-112,842,621, TAT deleted; deleting any 3 consecutive bases within chr5:112,842,617-112,842,621 gives the same sequence; the c. name uses the placement nearest the transcript's 3' end. VCF-style (leftmost placement, unchanged base first): chr5-112842616-AATT-A. GRCh37 (hg19) VCF-style: chr5-112178313-AATT-A.
Other names: c.7025_7027del, p.Leu2342del (NM_001127510.3, NM_001354895.2); c.6971_6973del, p.Leu2324del (NM_001127511.3); c.7079_7081del, p.Leu2360del (NM_001354896.2); c.7055_7057del, p.Leu2352del (NM_001354897.2); c.6950_6952del, p.Leu2317del (NM_001354898.2); c.6941_6943del, p.Leu2314del (NM_001354899.2); c.6902_6904del, p.Leu2301del (NM_001354900.2); c.6848_6850del, p.Leu2283del (NM_001354901.2); and 5 more; short protein forms L2301del, L2314del, L2241del, L2251del, L2342del, L2352del, L2059del, L2182del.
Identifiers: ClinVar variation 959525 (VCV000959525.11), dbSNP rs1766358422, ClinGen allele CA1139659000.